The following is an entry in ClinVar:

NM_000521.4(HEXB):c.1535_1536del (p.Arg512fs)

Gene: HEXB (hexosaminidase subunit beta; plus strand). Cytogenetic location: 5q13.3.
Variant type: Microsatellite.
Coding change: c.1535_1536del on transcript NM_000521.4 (MANE Select); coding-DNA positions 1535 to 1536, 2 bases deleted (GA; older notation c.1535_1536delGA).
Protein change: p.Arg512fs; shifts the reading frame from arginine 512.
Molecular consequence: frameshift variant.
Genome position (GRCh38, 1-based): chr5:74,720,669-74,720,670, GA deleted; deleting any 2 consecutive bases within chr5:74,720,665-74,720,670 gives the same sequence; the c. name uses the placement nearest the transcript's 3' end. VCF-style (leftmost placement, unchanged base first): chr5-74720664-TGA-T. GRCh37 (hg19) VCF-style: chr5-74016489-TGA-T.
Other names: p.Arg512Thrfs*12; c.860_861del, p.Arg287fs (NM_001292004.2); c.1535_1536del (NM_000521.3); short protein forms R512fs, R287fs.
Identifiers: ClinVar variation 194180 (VCV000194180.21), dbSNP rs794727091, ClinGen allele CA201015.
Genomic context (GRCh38, chr5:74,720,664, plus strand): 5'-TTAAACTGCTTGCGGGGGGATGTGTGATTTAAATTTTAGGCCTCGGGCAAGTGCTGTTGG[TGA>T]GAGACTCTGGAGTTCCAAAGATGTCAGAGATATGGATGACGCCTATGACAGACTGACAAG-3'

ClinVar aggregate classification (germline): Conflicting classifications of pathogenicity. Review status: criteria provided, conflicting classifications (1 of 4 stars). 6 submissions from 6 submitters: Pathogenic (2); Likely pathogenic (2); Uncertain significance (1). 1 of the submissions does not count toward it. Last evaluated 2025-12-29.

Conditions:
Sandhoff disease. Also called: Beta-hexosaminidase-beta-subunit deficiency; GM2 gangliosidosis, type 2; Total hexosaminidase deficiency; Sandhoff-Jatzkewitz-Pilz disease; GM2-GANGLIOSIDOSIS, TYPE II; HEXOSAMINIDASES A AND B DEFICIENCY. Identifiers: Orphanet 796, MedGen C0036161, MONDO:0010006, OMIM 268800.

Submissions (6):

Natera, Inc.
Classification: Likely pathogenic for Sandhoff disease. Last evaluated: 2025-12-29. Review status: criteria provided, single submitter. Criteria: Natera Variant Classification Schema (03/2026). Collection method: clinical testing. Allele origin: germline.
Comment: The c.1535_1536del variant in HEXB is a frameshift variant predicted to shift the reading frame beginning at codon 512 and leads to a stop codon 12 codons downstream. This variant is expected to result in nonsense mediated decay, truncation, or a dysfunctional protein product. This variant is rare in the general population with a frequency below the threshold expected for the associated phenotype(s). Given the available evidence, this variant is classified as Likely Pathogenic.

Labcorp Genetics (formerly Invitae), Labcorp
Classification: Pathogenic for Sandhoff disease. Last evaluated: 2025-09-24. Review status: criteria provided, single submitter. Criteria: Invitae Variant Classification Sherloc (09022015). Collection method: clinical testing. Allele origin: germline.
Comment: This sequence change creates a premature translational stop signal (p.Arg512Thrfs*12) in the HEXB gene. While this is not anticipated to result in nonsense mediated decay, it is expected to disrupt the last 45 amino acid(s) of the HEXB protein. This variant is present in population databases (rs794727091, gnomAD 0.006%). This premature translational stop signal has been observed in individual(s) with Sandhoff disease (PMID: 29448188). ClinVar contains an entry for this variant (Variation ID: 194180). This variant disrupts a region of the HEXB protein in which other variant(s) (p.Cys534*) have been determined to be pathogenic (PMID: 29448188, 30075786). This suggests that this is a clinically significant region of the protein, and that variants that disrupt it are likely to be disease-causing. For these reasons, this variant has been classified as Pathogenic.

Mayo Clinic Laboratories, Mayo Clinic
Classification: Likely pathogenic. Last evaluated: 2024-06-10. Review status: criteria provided, single submitter. Criteria: ACMG Guidelines, 2015. Collection method: clinical testing. Allele origin: germline. Observed: 1 variant allele.
Comment: PM2, PVS1

Daryl Scott Lab, Baylor College of Medicine
Classification: Uncertain significance for Sandhoff disease. Last evaluated: 2023-11-10. Review status: criteria provided, single submitter. Criteria: ACMG Guidelines, 2015. Collection method: clinical testing. Allele origin: biparental. Affected: yes.

Eurofins Ntd Llc (ga)
Classification: Pathogenic. Last evaluated: 2014-12-10. Review status: criteria provided, single submitter. Criteria: EGL Classification Definitions 2015. Collection method: clinical testing. Allele origin: germline. Observed: 1 variant allele, 1 heterozygote.

Counsyl
Classification: Likely pathogenic for Sandhoff disease. Last evaluated: 2018-03-06. Review status: no assertion criteria provided. Collection method: clinical testing. Allele origin: unknown. Not counted in ClinVar's aggregate classification.

Literature cited by the submitters: PubMed 29448188 (cited by Labcorp Genetics (formerly Invitae), Labcorp and Mayo Clinic Laboratories, Mayo Clinic); PubMed 30075786 (cited by Labcorp Genetics (formerly Invitae), Labcorp).